The following is an entry in ClinVar:

ClinVar aggregate classification (germline): Benign/Likely benign. Review status: criteria provided, multiple submitters, no conflicts (2 of 4 stars). 5 submissions from 5 submitters: Benign (3); Likely benign (2). Last evaluated 2026-01-31.

Conditions:
Inborn genetic diseases. Identifiers: MedGen C0950123, MeSH D030342.
Deficiency of malonyl-CoA decarboxylase. Also called: Malonic aciduria; MCD deficiency. Identifiers: Orphanet 943, MedGen C0342793, MONDO:0009556, OMIM 248360.

Allele frequency attached by ClinVar (database versions not stated): gnomAD exomes 0.00027 and 0.00061; ExAC 0.00082; gnomAD 0.00296 and 0.00324; 1000 Genomes Project 0.00319; TOPMed 0.00334; ESP Exome Variant Server 0.00345; 1000 Genomes Project 30x 0.00359.
gnomAD v4.1: 848 of 1,614,166 alleles (0.053%); highest among the groups gnomAD compares: African/African-American, 1%; 6 homozygotes.

Submissions (5):

Labcorp Genetics (formerly Invitae), Labcorp
Classification: Benign for Deficiency of malonyl-CoA decarboxylase. Last evaluated: 2026-01-31. Review status: criteria provided, single submitter. Criteria: Invitae Variant Classification Sherloc (09022015). Collection method: clinical testing. Allele origin: germline.

Blueprint Genetics
Classification: Likely benign. Last evaluated: 2024-11-25. Review status: criteria provided, single submitter. Criteria: ACMG Guidelines, 2015. Collection method: clinical testing. Allele origin: germline.

Ambry Genetics
Classification: Likely benign for Inborn genetic diseases. Last evaluated: 2023-02-23. Review status: criteria provided, single submitter. Criteria: Ambry Variant Classification Scheme 2023. Collection method: clinical testing. Allele origin: germline.

GeneDx
Classification: Benign. Last evaluated: 2013-12-31. Review status: criteria provided, single submitter. Criteria: GeneDx Variant Classification (06012015). Collection method: clinical testing. Allele origin: germline. Affected: yes.
Comment: This variant is considered likely benign or benign based on one or more of the following criteria: it is a conservative change, it occurs at a poorly conserved position in the protein, it is predicted to be benign by multiple in silico algorithms, and/or has population frequency not consistent with disease.

Breakthrough Genomics
Classification: Benign. Review status: criteria provided, single submitter. Criteria: ACMG Guidelines, 2015. Collection method: not provided. Allele origin: germline. Inheritance: Autosomal recessive inheritance. Affected: yes.

NM_012213.3(MLYCD):c.925A>C (p.Lys309Gln)

Genes: MLYCD (malonyl-CoA decarboxylase; plus strand), LOC126862422 (CDK7 strongly-dependent group 2 enhancer GRCh37_chr16:83945234-83946433; plus strand). Cytogenetic location: 16q23.3.
Variant type: single nucleotide variant.
Coding change: c.925A>C on transcript NM_012213.3 (MANE Select); coding-DNA position 925, A replaced by C.
Protein change: p.Lys309Gln; replaces lysine 309 with glutamine.
Molecular consequence: missense variant.
Genome position (GRCh38, 1-based): chr16:83,912,344, A>C. VCF-style: chr16-83912344-A-C. GRCh37 (hg19) VCF-style: chr16-83945949-A-C.
Other names: p.K309Q:AAG>CAG; short protein forms K309Q.
Identifiers: ClinVar variation 138233 (VCV000138233.16), dbSNP rs149926091, ClinGen allele CA292108.